The following is an entry in ClinVar:

ClinVar aggregate classification (germline): Uncertain significance. Review status: criteria provided, multiple submitters, no conflicts (2 of 4 stars). 2 submissions from 2 submitters: Uncertain significance (2). Last evaluated 2026-05-27.

Conditions:
Hereditary cancer-predisposing syndrome. Also called: Hereditary neoplastic syndrome; Tumor predisposition; Hereditary Cancer Syndrome; Neoplastic Syndromes, Hereditary. Identifiers: Orphanet 140162, MedGen C0027672, MeSH D009386, MONDO:0015356.
Parathyroid carcinoma (PRTC). Also called: Parathyroid gland carcinoma; CDC73-Related Parathyroid Carcinoma. Identifiers: Orphanet 143, MedGen C0687150, MONDO:0012004, OMIM 608266, HP:0006780.

Submissions (2):

Ambry Genetics
Classification: Uncertain significance for Hereditary cancer-predisposing syndrome. Last evaluated: 2026-05-27. Review status: criteria provided, single submitter. Criteria: Ambry Variant Classification Scheme 2023. Collection method: clinical testing. Allele origin: germline.
Comment: The p.A377G variant (also known as c.1130C>G), located in coding exon 13 of the CDC73 gene, results from a C to G substitution at nucleotide position 1130. The alanine at codon 377 is replaced by glycine, an amino acid with similar properties. This amino acid position is conserved. In addition, this alteration is predicted to be deleterious by in silico analysis. Based on the available evidence, the clinical significance of this variant remains unclear.

Labcorp Genetics (formerly Invitae), Labcorp
Classification: Uncertain significance for Parathyroid carcinoma. Last evaluated: 2024-09-12. Review status: criteria provided, single submitter. Criteria: Invitae Variant Classification Sherloc (09022015). Collection method: clinical testing. Allele origin: germline.
Comment: This sequence change replaces alanine, which is neutral and non-polar, with glycine, which is neutral and non-polar, at codon 377 of the CDC73 protein (p.Ala377Gly). This variant is not present in population databases (gnomAD no frequency). This variant has not been reported in the literature in individuals affected with CDC73-related conditions. Invitae Evidence Modeling of protein sequence and biophysical properties (such as structural, functional, and spatial information, amino acid conservation, physicochemical variation, residue mobility, and thermodynamic stability) indicates that this missense variant is expected to disrupt CDC73 protein function with a positive predictive value of 80%. In summary, the available evidence is currently insufficient to determine the role of this variant in disease. Therefore, it has been classified as a Variant of Uncertain Significance.

NM_024529.5(CDC73):c.1130C>G (p.Ala377Gly)

Gene: CDC73 (cell division cycle 73; plus strand). Cytogenetic location: 1q31.2.
Variant type: single nucleotide variant.
Coding change: c.1130C>G on transcript NM_024529.5 (MANE Select); coding-DNA position 1130, C replaced by G.
Protein change: p.Ala377Gly; replaces alanine 377 with glycine.
Molecular consequence: missense variant.
Genome position (GRCh38, 1-based): chr1:193,212,453, C>G. VCF-style: chr1-193212453-C-G. GRCh37 (hg19) VCF-style: chr1-193181583-C-G.
Other names: short protein forms A377G.
Identifiers: ClinVar variation 3666863 (VCV003666863.3).